The following is an entry in ClinVar:

ClinVar aggregate classification (germline): Conflicting classifications of pathogenicity. Review status: criteria provided, conflicting classifications (1 of 4 stars). 5 submissions from 5 submitters: Uncertain significance (1); Benign (1); Likely benign (2). 1 of the submissions does not count toward it. Last evaluated 2026-01-24.

Conditions:
POLE-related disorder. Also called: POLE-related disorders; POLE-related condition.
Hereditary cancer-predisposing syndrome. Also called: Neoplastic Syndromes, Hereditary; Tumor predisposition; Hereditary Cancer Syndrome; Hereditary neoplastic syndrome. Identifiers: Orphanet 140162, MedGen C0027672, MeSH D009386, MONDO:0015356.

Allele frequency attached by ClinVar (database versions not stated): gnomAD exomes 0.00004 and 0.00019; gnomAD 0.00005 and 0.00007; TOPMed 0.00011; ExAC 0.00019; 1000 Genomes Project 30x 0.00047; 1000 Genomes Project 0.00060.
gnomAD v4.1: 72 of 1,613,570 alleles (0.0045%); highest among the groups gnomAD compares: East Asian, 0.16%; no homozygotes.

Submissions (5):

Labcorp Genetics (formerly Invitae), Labcorp
Classification: Likely benign. Last evaluated: 2026-01-24. Review status: criteria provided, single submitter. Criteria: Invitae Variant Classification Sherloc (09022015). Collection method: clinical testing. Allele origin: germline.

Ambry Genetics
Classification: Benign for Hereditary cancer-predisposing syndrome. Last evaluated: 2024-06-25. Review status: criteria provided, single submitter. Criteria: Ambry Variant Classification Scheme 2023. Collection method: clinical testing. Allele origin: germline.

Blueprint Genetics
Classification: Uncertain significance. Last evaluated: 2024-05-30. Review status: criteria provided, single submitter. Criteria: ACMG Guidelines, 2015. Collection method: clinical testing. Allele origin: germline.

GeneDx
Classification: Likely benign. Last evaluated: 2019-02-15. Review status: criteria provided, single submitter. Criteria: GeneDx Variant Classification Process June 2021. Collection method: clinical testing. Allele origin: germline. Affected: yes.
Comment: This variant is associated with the following publications: (PMID: 26748215)

PreventionGenetics, part of Exact Sciences
Classification: Likely benign for POLE-related condition. Last evaluated: 2024-05-09. Review status: no assertion criteria provided. Collection method: clinical testing. Allele origin: germline. Not counted in ClinVar's aggregate classification.
Comment: This variant is classified as likely benign based on ACMG/AMP sequence variant interpretation guidelines (Richards et al. 2015 PMID: 25741868, with internal and published modifications).

NM_006231.4(POLE):c.4541T>C (p.Val1514Ala)

Gene: POLE (DNA polymerase epsilon, catalytic subunit; minus strand). Cytogenetic location: 12q24.33.
Variant type: single nucleotide variant.
Coding change: c.4541T>C on transcript NM_006231.4 (MANE Select); coding-DNA position 4541, T replaced by C.
Protein change: p.Val1514Ala; replaces valine 1514 with alanine.
Molecular consequence: missense variant.
Genome position (GRCh38, 1-based): chr12:132,643,234, A>G on the plus strand (T>C on the coding strand, the complement: POLE is on the minus strand). VCF-style: chr12-132643234-A-G. GRCh37 (hg19) VCF-style: chr12-133219820-A-G.
Other names: short protein forms V1514A.
Identifiers: ClinVar variation 413599 (VCV000413599.17), dbSNP rs116742454, ClinGen allele CA6892812.